The following is an entry in ClinVar:

NM_001378452.1(ITPR1):c.6180+11T>A

Gene: ITPR1 (inositol 1,4,5-trisphosphate receptor type 1; plus strand). Cytogenetic location: 3p26.1.
Variant type: single nucleotide variant.
Coding change: c.6180+11T>A on transcript NM_001378452.1 (MANE Select); 11 bases into the intron after coding-DNA position 6180, T replaced by A.
Molecular consequence: intron variant.
Genome position (GRCh38, 1-based): chr3:4,775,453, T>A. VCF-style: chr3-4775453-T-A. GRCh37 (hg19) VCF-style: chr3-4817137-T-A.
Other names: c.6036+11T>A (NM_001099952.4); c.6135+11T>A (NM_001168272.2); c.5991+11T>A (NM_002222.7).
Identifiers: ClinVar variation 345754 (VCV000345754.9), dbSNP rs772860677, ClinGen allele CA2232515.
Genomic context (GRCh38, chr3:4,775,453, plus strand): 5'-CCCTGGAAAGTCTGACCGAATACTGTCAAGGACCTTGCCATGAGAACCAGGTAATTAAAT[T>A]TCTGTTTTGGGATGGGGAAAAAAAGTGTCCCATTTTGGAAATGTTGATAGAGACTAGTTC-3'

ClinVar aggregate classification (germline): Likely benign. Review status: criteria provided, multiple submitters, no conflicts (2 of 4 stars). 2 submissions from 2 submitters: Likely benign (2). Last evaluated 2025-12-26.

Conditions:
Autosomal dominant cerebellar ataxia. Also called: Spinocerebellar Ataxia, Dominant. Identifiers: Orphanet 99, MedGen C4087347, MONDO:0020380.

Allele frequency attached by ClinVar (database versions not stated): TOPMed 0.00015; ExAC 0.00002; gnomAD 0.00012 and 0.00013.
gnomAD v4.1: 43 of 1,602,688 alleles (0.0027%); highest among the groups gnomAD compares: African/African-American, 0.039%; no homozygotes.

Submissions (2):

Labcorp Genetics (formerly Invitae), Labcorp
Classification: Likely benign. Last evaluated: 2025-12-26. Review status: criteria provided, single submitter. Criteria: Invitae Variant Classification Sherloc (09022015). Collection method: clinical testing. Allele origin: germline.

Illumina Laboratory Services, Illumina
Classification: Likely benign for Spinocerebellar Ataxia, Dominant. Last evaluated: 2018-01-13. Review status: criteria provided, single submitter. Criteria: ICSL Variant Classification Criteria 13 December 2019. Collection method: clinical testing. Allele origin: germline.
Comment: This variant was observed in the ICSL laboratory as part of a predisposition screen in an ostensibly healthy population. It had not been previously curated by ICSL or reported in the Human Gene Mutation Database (HGMD: prior to June 1st, 2018), and was therefore a candidate for classification through an automated scoring system. Utilizing variant allele frequency, disease prevalence and penetrance estimates, and inheritance mode, an automated score was calculated to assess if this variant is too frequent to cause the disease. Based on the score and internal cut-off values, a variant classified as likely benign is not then subjected to further curation. The score for this variant resulted in a classification of likely benign for this disease.